The following is an entry in ClinVar:

NM_000455.5(STK11):c.1083C>G (p.Ile361Met)

Genes: STK11 (serine/threonine kinase 11; plus strand), LOC130062899 (ATAC-STARR-seq lymphoblastoid active region 13597; plus strand). Cytogenetic location: 19p13.3.
Variant type: single nucleotide variant.
Coding change: c.1083C>G on transcript NM_000455.5 (MANE Select); coding-DNA position 1083, C replaced by G.
Protein change: p.Ile361Met; replaces isoleucine 361 with methionine.
Molecular consequence: missense variant.
Genome position (GRCh38, 1-based): chr19:1,223,147, C>G. VCF-style: chr19-1223147-C-G. GRCh37 (hg19) VCF-style: chr19-1223146-C-G.
Other names: short protein forms I361M.
Identifiers: ClinVar variation 998904 (VCV000998904.11), dbSNP rs2080797894, ClinGen allele CA402951915.

ClinVar aggregate classification (germline): Uncertain significance. Review status: criteria provided, multiple submitters, no conflicts (2 of 4 stars). 2 submissions from 2 submitters: Uncertain significance (2). Last evaluated 2024-01-19.

Conditions:
Hereditary cancer-predisposing syndrome. Also called: Neoplastic Syndromes, Hereditary; Hereditary neoplastic syndrome; Hereditary Cancer Syndrome; Tumor predisposition. Identifiers: Orphanet 140162, MedGen C0027672, MeSH D009386, MONDO:0015356.
Peutz-Jeghers syndrome (PJS). Also called: POLYPOSIS, HAMARTOMATOUS INTESTINAL; POLYPS-AND-SPOTS SYNDROME; Peutz-Jeghers polyposis; Periorificial lentiginosis syndrome. Identifiers: Orphanet 2869, MedGen C0031269, MeSH D010580, MONDO:0008280, OMIM 175200.

Allele frequency attached by ClinVar (database versions not stated): gnomAD exomes below 0.00001.

Submissions (2):

Labcorp Genetics (formerly Invitae), Labcorp
Classification: Uncertain significance for Peutz-Jeghers syndrome. Last evaluated: 2024-01-19. Review status: criteria provided, single submitter. Criteria: Invitae Variant Classification Sherloc (09022015). Collection method: clinical testing. Allele origin: germline.
Comment: This sequence change replaces isoleucine, which is neutral and non-polar, with methionine, which is neutral and non-polar, at codon 361 of the STK11 protein (p.Ile361Met). This variant is not present in population databases (gnomAD no frequency). This variant has not been reported in the literature in individuals affected with STK11-related conditions. ClinVar contains an entry for this variant (Variation ID: 998904). Advanced modeling of protein sequence and biophysical properties (such as structural, functional, and spatial information, amino acid conservation, physicochemical variation, residue mobility, and thermodynamic stability) performed at Invitae indicates that this missense variant is not expected to disrupt STK11 protein function with a negative predictive value of 95%. In summary, the available evidence is currently insufficient to determine the role of this variant in disease. Therefore, it has been classified as a Variant of Uncertain Significance.

Ambry Genetics
Classification: Uncertain significance for Hereditary cancer-predisposing syndrome. Last evaluated: 2023-04-13. Review status: criteria provided, single submitter. Criteria: Ambry Variant Classification Scheme 2023. Collection method: clinical testing. Allele origin: germline.
Comment: The p.I361M variant (also known as c.1083C>G), located in coding exon 8 of the STK11 gene, results from a C to G substitution at nucleotide position 1083. The isoleucine at codon 361 is replaced by methionine, an amino acid with highly similar properties. This amino acid position is highly conserved in available vertebrate species. In addition, this alteration is predicted to be tolerated by in silico analysis. Since supporting evidence is limited at this time, the clinical significance of this alteration remains unclear.